The following is an entry in ClinVar:

NM_153354.5(TMEM161B):c.797C>T (p.Thr266Ile)

Gene: TMEM161B (transmembrane protein 161B; minus strand). Cytogenetic location: 5q14.3.
Variant type: single nucleotide variant.
Coding change: c.797C>T on transcript NM_153354.5 (MANE Select); coding-DNA position 797, C replaced by T.
Protein change: p.Thr266Ile; replaces threonine 266 with isoleucine.
Molecular consequence: missense variant. On other transcripts: non-coding transcript variant (1).
Genome position (GRCh38, 1-based): chr5:88,205,817, G>A on the plus strand (C>T on the coding strand, the complement: TMEM161B is on the minus strand). VCF-style: chr5-88205817-G-A. GRCh37 (hg19) VCF-style: chr5-87501634-G-A.
Other names: c.797C>T, p.Thr266Ile (NM_001289007.2, NM_001349407.2); c.764C>T, p.Thr255Ile (NM_001289008.2); c.251C>T, p.Thr84Ile (NM_001349400.2, NM_001349402.2, NM_001349403.2 and 1 more transcripts); short protein forms T84I, T255I, T266I.
Identifiers: ClinVar variation 4596325 (VCV004596325.1).

ClinVar aggregate classification (germline): Uncertain significance (1 of 4 stars; one submission).

gnomAD v4.1: 1 of 1,612,186 alleles (0.000062%); highest among the groups gnomAD compares: South Asian, 0.0011%; no homozygotes.

Submission:

Ambry Genetics
Classification: Uncertain significance. Last evaluated: 2025-12-03. Review status: criteria provided, single submitter. Criteria: Ambry Variant Classification Scheme 2023. Collection method: clinical testing. Allele origin: germline.
Comment: The c.797C>T (p.T266I) alteration is located in exon 8 (coding exon 8) of the TMEM161B gene. This alteration results from a C to T substitution at nucleotide position 797, causing the threonine (T) at amino acid position 266 to be replaced by an isoleucine (I). Based on data from gnomAD, the T allele has an overall frequency of <0.001% (1/250256) total alleles studied. The highest observed frequency was 0.003% (1/30312) of South Asian alleles. Based on insufficient or conflicting evidence, the clinical significance of this alteration remains unclear.